The following is an entry in ClinVar:

ClinVar aggregate classification (germline): Uncertain significance (1 of 4 stars; one submission).

Conditions:
Holoprosencephaly 11 (HPE11). Identifiers: Orphanet 2162, MedGen C3280215, MONDO:0013642, OMIM 614226.

Allele frequency attached by ClinVar (database versions not stated): gnomAD 0.00002; gnomAD exomes 0.00003; ExAC 0.00001; TOPMed 0.00001.
gnomAD v4.1: 42 of 1,613,954 alleles (0.0026%); highest among the groups gnomAD compares: Non-Finnish European, 0.0035%; no homozygotes.

Submission:

Labcorp Genetics (formerly Invitae), Labcorp
Classification: Uncertain significance for Holoprosencephaly 11. Last evaluated: 2024-09-21. Review status: criteria provided, single submitter. Criteria: Invitae Variant Classification Sherloc (09022015). Collection method: clinical testing. Allele origin: germline.
Comment: This sequence change replaces valine, which is neutral and non-polar, with phenylalanine, which is neutral and non-polar, at codon 375 of the CDON protein (p.Val375Phe). This variant is present in population databases (rs751905547, gnomAD 0.002%). This variant has not been reported in the literature in individuals affected with CDON-related conditions. ClinVar contains an entry for this variant (Variation ID: 2074337). Invitae Evidence Modeling of protein sequence and biophysical properties (such as structural, functional, and spatial information, amino acid conservation, physicochemical variation, residue mobility, and thermodynamic stability) indicates that this missense variant is not expected to disrupt CDON protein function with a negative predictive value of 80%. In summary, the available evidence is currently insufficient to determine the role of this variant in disease. Therefore, it has been classified as a Variant of Uncertain Significance.

NM_001378964.1(CDON):c.1123G>T (p.Val375Phe)

Gene: CDON (cell adhesion associated, oncogene regulated; minus strand). Cytogenetic location: 11q24.2.
Variant type: single nucleotide variant.
Coding change: c.1123G>T on transcript NM_001378964.1 (MANE Select); coding-DNA position 1123, G replaced by T.
Protein change: p.Val375Phe; replaces valine 375 with phenylalanine.
Molecular consequence: missense variant.
Genome position (GRCh38, 1-based): chr11:126,015,316, C>A on the plus strand (G>T on the coding strand, the complement: CDON is on the minus strand). VCF-style: chr11-126015316-C-A. GRCh37 (hg19) VCF-style: chr11-125885211-C-A.
Other names: c.1123G>T, p.Val375Phe (NM_001243597.3, NM_016952.6); short protein forms V375F.
Identifiers: ClinVar variation 2074337 (VCV002074337.4), dbSNP rs751905547, ClinGen allele CA6352160.
Genomic context (GRCh38, chr11:126,015,316, plus strand): 5'-GTCTTCCAGTAGAGTGCATAAATCCAATCCCATTATCTGCTACACACTGATACATCCCAA[C>A]ATCTTCCACAGTAACCCCACTGATTTTCAGTCCGTTTCCTGCAGTTAGATGTCGTGCAGA-3'
Protein context (NP_001365893.1, residues 365-385): LKISGVTVED[Val375Phe]GMYQCVADNG